The following is an entry in ClinVar:

ClinVar aggregate classification (germline): Uncertain significance (1 of 4 stars; one submission).

Conditions:
Neuroblastoma, susceptibility to, 3. Also called: ALK-Related Neuroblastic Tumor Susceptibility. Identifiers: Orphanet 635, MedGen C2751681, MONDO:0013083, OMIM 613014.

Submission:

Labcorp Genetics (formerly Invitae), Labcorp
Classification: Uncertain significance for Neuroblastoma, susceptibility to, 3. Last evaluated: 2020-05-27. Review status: criteria provided, single submitter. Criteria: Invitae Variant Classification Sherloc (09022015). Collection method: clinical testing. Allele origin: germline.
Comment: In summary, the available evidence is currently insufficient to determine the role of this variant in disease. Therefore, it has been classified as a Variant of Uncertain Significance. This variant has not been reported in the literature in individuals with ALK-related conditions. This variant results in a copy number gain of the genomic region encompassing exons 17-29 of the ALK gene. The 5' boundary is likely confined to intron 16. The 3' end of this event is unknown as it extends beyond the assayed region for this gene and therefore may encompass additional genes. As the precise location of this event is unknown, it may be in tandem or it may be located elsewhere in the genome.

NC_000002.11:g.(?_29119585)_(29450548_?)dup

Genes: ALK (ALK receptor tyrosine kinase; minus strand), CLIP4 (CAP-Gly domain containing linker protein family member 4; plus strand), PCARE (photoreceptor cilium actin regulator; minus strand), TOGARAM2 (TOG array regulator of axonemal microtubules 2; plus strand), WDR43 (WD repeat domain 43; plus strand). Cytogenetic location: 2p23.2.
Variant type: Duplication.
Identifiers: ClinVar variation 1054327 (VCV001054327.3).